The following is an entry in ClinVar:

ClinVar aggregate classification (germline): Uncertain significance. Review status: criteria provided, multiple submitters, no conflicts (2 of 4 stars). 3 submissions from 3 submitters: Uncertain significance (3). Last evaluated 2026-09-01.

Conditions:
Autoinflammatory syndrome. Identifiers: Orphanet 93665, MedGen C3890737, MONDO:0019751.
STING-associated vasculopathy with onset in infancy. Also called: Sting-associated vasculopathy, infantile-onset. Identifiers: Orphanet 425120, MedGen C4014722, MONDO:0014405, OMIM 615934.

Allele frequency attached by ClinVar (database versions not stated): gnomAD exomes 0.00002 and 0.00003; ExAC 0.00005; gnomAD 0.00006 and 0.00007; TOPMed 0.00008.
gnomAD v4.1: 64 of 1,613,098 alleles (0.004%); highest among the groups gnomAD compares: Non-Finnish European, 0.0047%; no homozygotes.

Submissions (3):

CeGaT Center for Human Genetics Tuebingen
Classification: Uncertain significance. Last evaluated: 2026-09-01. Review status: criteria provided, single submitter. Criteria: CeGaT Center For Human Genetics Tuebingen Variant Classification Criteria Version 2. Collection method: clinical testing. Allele origin: germline. Affected: yes. Observed: 1 variant allele.
Comment: STING1: PM2, BP4

Labcorp Genetics (formerly Invitae), Labcorp
Classification: Uncertain significance for STING-associated vasculopathy with onset in infancy. Last evaluated: 2026-02-01. Review status: criteria provided, single submitter. Criteria: Invitae Variant Classification Sherloc (09022015). Collection method: clinical testing. Allele origin: germline.
Comment: This sequence change replaces alanine, which is neutral and non-polar, with valine, which is neutral and non-polar, at codon 254 of the TMEM173 protein (p.Ala254Val). This variant is present in population databases (rs774690247, gnomAD 0.006%). This variant has not been reported in the literature in individuals affected with TMEM173-related conditions. ClinVar contains an entry for this variant (Variation ID: 658704). An algorithm developed to predict the effect of missense changes on protein structure and function outputs the following: PolyPhen-2: "Benign". The valine amino acid residue is found in multiple mammalian species, which suggests that this missense change does not adversely affect protein function. In summary, the available evidence is currently insufficient to determine the role of this variant in disease. Therefore, it has been classified as a Variant of Uncertain Significance.

Genome Diagnostics Laboratory, The Hospital for Sick Children
Classification: Uncertain significance for Autoinflammatory syndrome. Last evaluated: 2021-05-14. Review status: criteria provided, single submitter. Criteria: ACMG Guidelines, 2015. Collection method: clinical testing. Allele origin: germline. Affected: yes.

NM_198282.4(STING1):c.761C>T (p.Ala254Val)

Gene: STING1 (stimulator of interferon response cGAMP interactor 1; minus strand). Cytogenetic location: 5q31.2.
Variant type: single nucleotide variant.
Coding change: c.761C>T on transcript NM_198282.4 (MANE Select); coding-DNA position 761, C replaced by T.
Protein change: p.Ala254Val; replaces alanine 254 with valine.
Molecular consequence: missense variant. On other transcripts: intron variant (1).
Genome position (GRCh38, 1-based): chr5:139,477,514, G>A on the plus strand (C>T on the coding strand, the complement: STING1 is on the minus strand). VCF-style: chr5-139477514-G-A. GRCh37 (hg19) VCF-style: chr5-138857099-G-A.
Other names: c.404C>T, p.Ala135Val (NM_001367258.1); c.759+756C>T (NM_001301738.2); c.761C>T, p.Ala254Val (LRG_1308t1); short protein forms A254V, A135V.
Identifiers: ClinVar variation 658704 (VCV000658704.15), dbSNP rs774690247, ClinGen allele CA3435312.